The following is an entry in ClinVar:

NM_001386393.1(PANK2):c.1065C>G (p.Gly355=)

Gene: PANK2 (pantothenate kinase 2; plus strand). Cytogenetic location: 20p13.
Variant type: single nucleotide variant.
Coding change: c.1065C>G on transcript NM_001386393.1 (MANE Select); coding-DNA position 1065, C replaced by G.
Protein change: p.Gly355=; no amino-acid change (glycine 355 retained).
Molecular consequence: synonymous variant. On other transcripts: non-coding transcript variant (1).
Genome position (GRCh38, 1-based): chr20:3,912,617, C>G. VCF-style: chr20-3912617-C-G. GRCh37 (hg19) VCF-style: chr20-3893264-C-G.
Other names: c.522C>G, p.Gly174= (NM_001324191.2, NM_024960.6, NM_153640.4); c.87C>G, p.Gly29= (NM_001324193.2); c.1395C>G, p.Gly465= (NM_153638.4).
Identifiers: ClinVar variation 896368 (VCV000896368.13), dbSNP rs564606657, ClinGen allele CA9750824.

ClinVar aggregate classification (germline): Conflicting classifications of pathogenicity. Review status: criteria provided, conflicting classifications (1 of 4 stars). 4 submissions from 4 submitters: Uncertain significance (2); Likely benign (2). Last evaluated 2025-12-30.

Conditions:
Pigmentary pallidal degeneration (NBIA1). Also called: Pantothenate Kinase-Associated Neurodegeneration; Neuroaxonal dystrophy, late infantile; Hallervorden-Spatz disease; Neurodegeneration with brain iron accumulation 1; HARP SYNDROME; PKAN NEUROAXONAL DYSTROPHY, JUVENILE-ONSET. Identifiers: Orphanet 157850, MedGen C0018523, MONDO:0009319, OMIM 234200.

Allele frequency attached by ClinVar (database versions not stated): TOPMed 0.00002; gnomAD exomes 0.00004 and 0.00010; ExAC 0.00011; 1000 Genomes Project 0.00020; 1000 Genomes Project 30x 0.00031.
gnomAD v4.1: 65 of 1,613,912 alleles (0.004%); highest among the groups gnomAD compares: South Asian, 0.065%; no homozygotes.

Submissions (4):

Labcorp Genetics (formerly Invitae), Labcorp
Classification: Likely benign for Pigmentary pallidal degeneration. Last evaluated: 2025-12-30. Review status: criteria provided, single submitter. Criteria: Invitae Variant Classification Sherloc (09022015). Collection method: clinical testing. Allele origin: germline.

GeneDx
Classification: Uncertain significance. Last evaluated: 2024-09-16. Review status: criteria provided, single submitter. Criteria: GeneDx Variant Classification Process June 2021. Collection method: clinical testing. Allele origin: germline. Affected: yes.
Comment: Has not been previously published as pathogenic or benign to our knowledge; In silico analysis suggests this variant may impact gene splicing. In the absence of RNA/functional studies, the actual effect of this sequence change is unknown.

Blueprint Genetics
Classification: Likely benign. Last evaluated: 2021-12-14. Review status: criteria provided, single submitter. Criteria: ACMG Guidelines, 2015. Collection method: clinical testing. Allele origin: germline.

Illumina Laboratory Services, Illumina
Classification: Uncertain significance for Pigmentary pallidal degeneration. Last evaluated: 2018-01-12. Review status: criteria provided, single submitter. Criteria: ICSL Variant Classification Criteria 13 December 2019. Collection method: clinical testing. Allele origin: germline.